The following is an entry in ClinVar:

ClinVar aggregate classification (germline): Pathogenic (1 of 4 stars; one submission).

Conditions:
Charcot-Marie-Tooth disease axonal type 2F (CMT2F). Also called: CHARCOT-MARIE-TOOTH DISEASE, NEURONAL, TYPE 2F; Charcot-Marie-Tooth Neuropathy Type 2F. Identifiers: Orphanet 99940, MedGen C1847823, MONDO:0011687, OMIM 606595.

Submission:

Labcorp Genetics (formerly Invitae), Labcorp
Classification: Pathogenic for Charcot-Marie-Tooth disease axonal type 2F. Last evaluated: 2023-07-25. Review status: criteria provided, single submitter. Criteria: Invitae Variant Classification Sherloc (09022015). Collection method: clinical testing. Allele origin: germline.
Comment: This variant is a gross deletion of the genomic region encompassing exon(s) 2-3 of the HSPB1 gene, which includes the termination codon. This deletion extends beyond the assayed region for this gene and therefore may encompass additional genes. While this deletion is not anticipated to lead to nonsense mediated decay, it is expected to alter mRNA translation or result in a truncated protein product. This variant has not been reported in the literature in individuals affected with HSPB1-related conditions. This variant disrupts the region of the HSPB1 protein between codon 39 and 182. Other variants in this region have been observed in individuals with autosomal dominant HSPB1-related conditions (PMID: 27816334, 28144995, 29381233), which suggests that this may be a clinically significant region of the protein. For these reasons, this variant has been classified as Pathogenic.

Literature cited by the submitters: PubMed 27816334; PubMed 28144995; PubMed 29381233.

NC_000007.13:g.(?_75933099)_(75933490_?)del

Gene: HSPB1 (heat shock protein family B (small) member 1; plus strand). Cytogenetic location: 7q11.23.
Variant type: Deletion.
Identifiers: ClinVar variation 1455479 (VCV001455479.5).